The following is an entry in ClinVar:

NC_000011.9:g.(?_31625295)_(31822424_?)del

Genes: ELP4 (elongator acetyltransferase complex subunit 4; plus strand), PAX6 (paired box 6; minus strand). Cytogenetic location: 11p13.
Variant type: Deletion.
Identifiers: ClinVar variation 2422793 (VCV002422793.3).

ClinVar aggregate classification (germline): Pathogenic (1 of 4 stars; one submission).

Conditions:
Irido-corneo-trabecular dysgenesis (ASGD5). Also called: ANTERIOR SEGMENT DYSGENESIS 5. Identifiers: Orphanet 708, MedGen C0344559, MONDO:0011414, OMIM 604229, HP:0000659.
Aniridia 1 (AN1). Identifiers: Orphanet 250923, MedGen C0344542, MONDO:0024507, OMIM 106210.

Submission:

Labcorp Genetics (formerly Invitae), Labcorp
Classification: Pathogenic for Aniridia 1; Irido-corneo-trabecular dysgenesis. Last evaluated: 2022-01-31. Review status: criteria provided, single submitter. Criteria: Invitae Variant Classification Sherloc (09022015). Collection method: clinical testing. Allele origin: germline.
Comment: This variant is a gross deletion of the genomic region encompassing exon(s) 7-13 of the PAX6 gene, which includes the termination codon. This deletion extends beyond the assayed region for this gene and therefore may encompass additional genes. While this deletion is not anticipated to lead to nonsense mediated decay, it is expected to alter mRNA translation or result in a truncated protein product. A similar copy number variant has been observed in individual(s) with isolated aniridia (PMID: 18483559). This variant is also known as deletion of exon 8-14. For these reasons, this variant has been classified as Pathogenic.

Literature cited by the submitters: PubMed 18483559.